The following is an entry in ClinVar:

NM_001868.4(CPA1):c.752T>A (p.Val251Glu)

Gene: CPA1 (carboxypeptidase A1; plus strand). Cytogenetic location: 7q32.2.
Variant type: single nucleotide variant.
Coding change: c.752T>A on transcript NM_001868.4 (MANE Select); coding-DNA position 752, T replaced by A.
Protein change: p.Val251Glu; replaces valine 251 with glutamic acid.
Molecular consequence: missense variant.
Genome position (GRCh38, 1-based): chr7:130,384,591, T>A. VCF-style: chr7-130384591-T-A. GRCh37 (hg19) VCF-style: chr7-130024432-T-A.
Other names: short protein forms V251E.
Identifiers: ClinVar variation 4559462 (VCV004559462.1).

ClinVar aggregate classification (germline): Uncertain significance (1 of 4 stars; one submission).

Conditions:
Hereditary pancreatitis (PCTT). Also called: Hereditary chronic pancreatitis; PRSS1-Related Hereditary Pancreatitis. Identifiers: Orphanet 676, MedGen C0238339, MONDO:0008185, OMIM 167800.

Submission:

Ambry Genetics
Classification: Uncertain significance for Hereditary pancreatitis. Last evaluated: 2025-10-29. Review status: criteria provided, single submitter. Criteria: Ambry Variant Classification Scheme 2023. Collection method: clinical testing. Allele origin: germline.
Comment: The p.V251E variant (also known as c.752T>A), located in coding exon 7 of the CPA1 gene, results from a T to A substitution at nucleotide position 752. The valine at codon 251 is replaced by glutamic acid, an amino acid with dissimilar properties. This amino acid position is not well conserved in available vertebrate species. In addition, the in silico prediction for this alteration is inconclusive. Based on the available evidence, the clinical significance of this variant remains unclear.